The following is an entry in ClinVar:

NM_015135.3(NUP205):c.4576G>A (p.Val1526Ile)

Gene: NUP205 (nucleoporin 205; plus strand). Cytogenetic location: 7q33.
Variant type: single nucleotide variant.
Coding change: c.4576G>A on transcript NM_015135.3 (MANE Select); coding-DNA position 4576, G replaced by A.
Protein change: p.Val1526Ile; replaces valine 1526 with isoleucine.
Molecular consequence: missense variant.
Genome position (GRCh38, 1-based): chr7:135,625,260, G>A. VCF-style: chr7-135625260-G-A. GRCh37 (hg19) VCF-style: chr7-135310008-G-A.
Other names: c.3502G>A, p.Val1168Ile (NM_001329434.2); short protein forms V1526I, V1168I.
Identifiers: ClinVar variation 2188957 (VCV002188957.4), dbSNP rs778803489, ClinGen allele CA4498917.
Genomic context (GRCh38, chr7:135,625,260, plus strand): 5'-GTGGATAAACAGCAGCAGTGGCTTTTGTATCTTTCTAACAGTGGCTACTTGAAGGTCCTC[G>A]TAGACAGCTTGGTAGAAGATGACCGTACTTTGCAGAGCTTACTCACCCCACAGCCTCCCC-3'
Protein context (NP_055950.2, residues 1516-1536): LSNSGYLKVL[Val1526Ile]DSLVEDDRTL

ClinVar aggregate classification (germline): Uncertain significance. Review status: criteria provided, multiple submitters, no conflicts (2 of 4 stars). 2 submissions from 2 submitters: Uncertain significance (2). Last evaluated 2024-10-24.

Allele frequency attached by ClinVar (database versions not stated): gnomAD 0.00001; ExAC 0.00002; TOPMed 0.00006.
gnomAD v4.1: 97 of 1,613,972 alleles (0.006%); highest among the groups gnomAD compares: Middle Eastern, 0.12%; no homozygotes.

Submissions (2):

Labcorp Genetics (formerly Invitae), Labcorp
Classification: Uncertain significance. Last evaluated: 2024-10-24. Review status: criteria provided, single submitter. Criteria: Invitae Variant Classification Sherloc (09022015). Collection method: clinical testing. Allele origin: germline.
Comment: This sequence change replaces valine, which is neutral and non-polar, with isoleucine, which is neutral and non-polar, at codon 1526 of the NUP205 protein (p.Val1526Ile). This variant is present in population databases (rs778803489, gnomAD 0.01%). This variant has not been reported in the literature in individuals affected with NUP205-related conditions. ClinVar contains an entry for this variant (Variation ID: 2188957). Invitae Evidence Modeling of protein sequence and biophysical properties (such as structural, functional, and spatial information, amino acid conservation, physicochemical variation, residue mobility, and thermodynamic stability) indicates that this missense variant is not expected to disrupt NUP205 protein function with a negative predictive value of 80%. In summary, the available evidence is currently insufficient to determine the role of this variant in disease. Therefore, it has been classified as a Variant of Uncertain Significance.

Breakthrough Genomics
Classification: Uncertain significance. Review status: criteria provided, single submitter. Criteria: ACMG Guidelines, 2015. Collection method: not provided. Allele origin: germline. Inheritance: Autosomal recessive inheritance. Affected: yes.